The following is an entry in ClinVar:

NC_000001.10:g.(?_215953165)_(216270575_?)del

Gene: USH2A (usherin; minus strand). Cytogenetic location: 1q41.
Variant type: Deletion.
Identifiers: ClinVar variation 2427735 (VCV002427735.4).

ClinVar aggregate classification (germline): Pathogenic (1 of 4 stars; one submission).

Submission:

Labcorp Genetics (formerly Invitae), Labcorp
Classification: Pathogenic. Last evaluated: 2022-02-09. Review status: criteria provided, single submitter. Criteria: Invitae Variant Classification Sherloc (09022015). Collection method: clinical testing. Allele origin: germline.
Comment: For these reasons, this variant has been classified as Pathogenic. This variant disrupts a region of the USH2A protein in which other variant(s) (p.Ile3620Thr) have been determined to be pathogenic (PMID: 24043777, 25268133, 30029497, 30733538, 31904091; Invitae). This suggests that this is a clinically significant region of the protein, and that variants that disrupt it are likely to be disease-causing. A similar copy number variant has been observed in individual(s) with Usher syndrome (PMID: 30190494). This variant is a gross deletion of the genomic region encompassing exon(s) 22-55 of the USH2A gene. This variant would be expected to be in-frame, preserving the integrity of the reading frame.

Literature cited by the submitters: PubMed 24043777; PubMed 25268133; PubMed 30029497; PubMed 30733538; PubMed 31904091; PubMed 30190494.